The following is an entry in ClinVar:

NM_032217.5(ANKRD17):c.2332+5G>A

Gene: ANKRD17 (ankyrin repeat domain 17; minus strand). Cytogenetic location: 4q13.3.
Variant type: single nucleotide variant.
Coding change: c.2332+5G>A on transcript NM_032217.5 (MANE Select); 5 bases into the intron after coding-DNA position 2332, G replaced by A.
Molecular consequence: intron variant.
Genome position (GRCh38, 1-based): chr4:73,141,736, C>T on the plus strand (G>A on the coding strand, the complement: ANKRD17 is on the minus strand). VCF-style: chr4-73141736-C-T. GRCh37 (hg19) VCF-style: chr4-74007453-C-T.
Other names: c.2332+5G>A (NM_198889.3, NM_015574.2); c.1993+5G>A (NM_001286771.3).
Identifiers: ClinVar variation 3908046 (VCV003908046.2).

ClinVar aggregate classification (germline): Uncertain significance (1 of 4 stars; one submission).

Submission:

GeneDx
Classification: Uncertain significance. Last evaluated: 2026-01-20. Review status: criteria provided, single submitter. Criteria: GeneDx Variant Classification Process June 2021. Collection method: clinical testing. Allele origin: germline.
Comment: Not observed at significant frequency in large population cohorts (gnomAD); In silico analysis suggests this variant may impact gene splicing. In the absence of RNA/functional studies, the actual effect of this sequence change is unknown.; Has not been previously published as pathogenic or benign to our knowledge